The following is an entry in ClinVar:

ClinVar aggregate classification (germline): Uncertain significance. Review status: criteria provided, multiple submitters, no conflicts (2 of 4 stars). 2 submissions from 2 submitters: Uncertain significance (2). Last evaluated 2025-08-21.

Conditions:
Inborn genetic diseases. Identifiers: MedGen C0950123, MeSH D030342.

Allele frequency attached by ClinVar (database versions not stated): gnomAD exomes below 0.00001.
gnomAD v4.1: 1 of 1,613,924 alleles (0.000062%); highest among the groups gnomAD compares: Non-Finnish European, 0.000085%; no homozygotes.

Submissions (2):

Ambry Genetics
Classification: Uncertain significance for Inborn genetic diseases. Last evaluated: 2025-08-21. Review status: criteria provided, single submitter. Criteria: Ambry Variant Classification Scheme 2023. Collection method: clinical testing. Allele origin: germline.

Labcorp Genetics (formerly Invitae), Labcorp
Classification: Uncertain significance. Last evaluated: 2022-07-17. Review status: criteria provided, single submitter. Criteria: Invitae Variant Classification Sherloc (09022015). Collection method: clinical testing. Allele origin: germline.
Comment: This variant is not present in population databases (gnomAD no frequency). In summary, the available evidence is currently insufficient to determine the role of this variant in disease. Therefore, it has been classified as a Variant of Uncertain Significance. Algorithms developed to predict the effect of missense changes on protein structure and function are either unavailable or do not agree on the potential impact of this missense change (SIFT: "Tolerated"; PolyPhen-2: "Probably Damaging"; Align-GVGD: "Class C0"). This variant has not been reported in the literature in individuals affected with SEC63-related conditions. This sequence change replaces histidine, which is basic and polar, with leucine, which is neutral and non-polar, at codon 389 of the SEC63 protein (p.His389Leu).

NM_007214.5(SEC63):c.1166A>T (p.His389Leu)

Gene: SEC63 (SEC63 protein translocation regulator; minus strand). Cytogenetic location: 6q21.
Variant type: single nucleotide variant.
Coding change: c.1166A>T on transcript NM_007214.5 (MANE Select); coding-DNA position 1166, A replaced by T.
Protein change: p.His389Leu; replaces histidine 389 with leucine.
Molecular consequence: missense variant.
Genome position (GRCh38, 1-based): chr6:107,902,887, T>A on the plus strand (A>T on the coding strand, the complement: SEC63 is on the minus strand). VCF-style: chr6-107902887-T-A. GRCh37 (hg19) VCF-style: chr6-108224091-T-A.
Other names: c.1166A>T (NM_007214.4); short protein forms H389L.
Identifiers: ClinVar variation 1922427 (VCV001922427.6), dbSNP rs2482058898, ClinGen allele CA365182389.